The following is an entry in ClinVar:

ClinVar aggregate classification (germline): Benign. Review status: criteria provided, multiple submitters, no conflicts (2 of 4 stars). 4 submissions from 4 submitters: Benign (3). 1 of the submissions does not count toward it. Last evaluated 2021-09-05.

Conditions:
NFASC-related disorder. Also called: NFASC-related condition.
Neurodevelopmental disorder with central and peripheral motor dysfunction. Identifiers: MedGen C5193049, MONDO:0032698, OMIM 618356.

Allele frequency attached by ClinVar (database versions not stated): TOPMed 0.21569; gnomAD 0.22292 and 0.22701; ESP Exome Variant Server 0.22620; 1000 Genomes Project 30x 0.22767; 1000 Genomes Project 0.23063; gnomAD exomes 0.24108 and 0.25227; ExAC 0.30775.
gnomAD v4.1: 398,999 of 1,597,614 alleles (25%); highest among the groups gnomAD compares: South Asian, 30%; 51,087 homozygotes.

Submissions (4):

Genome-Nilou Lab
Classification: Benign for Neurodevelopmental disorder with central and peripheral motor dysfunction. Last evaluated: 2021-09-05. Review status: criteria provided, single submitter. Criteria: ACMG Guidelines, 2015. Collection method: clinical testing. Allele origin: germline. Affected: no.

GeneDx
Classification: Benign. Last evaluated: 2020-04-02. Review status: criteria provided, single submitter. Criteria: GeneDx Variant Classification Process June 2021. Collection method: clinical testing. Allele origin: germline. Affected: yes.

Breakthrough Genomics
Classification: Benign. Review status: criteria provided, single submitter. Criteria: ACMG Guidelines, 2015. Collection method: not provided. Allele origin: germline. Inheritance: Autosomal recessive inheritance. Affected: yes.

PreventionGenetics, part of Exact Sciences
Classification: Benign for NFASC-related condition. Last evaluated: 2019-10-17. Review status: no assertion criteria provided. Collection method: clinical testing. Allele origin: germline. Not counted in ClinVar's aggregate classification.
Comment: This variant is classified as benign based on ACMG/AMP sequence variant interpretation guidelines (Richards et al. 2015 PMID: 25741868, with internal and published modifications).

NM_001005388.3(NFASC):c.3024T>C (p.Pro1008=)

Gene: NFASC (neurofascin; plus strand). Cytogenetic location: 1q32.1.
Variant type: single nucleotide variant.
Coding change: c.3024T>C on transcript NM_001005388.3 (MANE Select); coding-DNA position 3024, T replaced by C.
Protein change: p.Pro1008=; no amino-acid change (proline 1008 retained).
Molecular consequence: synonymous variant. On other transcripts: intron variant (4).
Genome position (GRCh38, 1-based): chr1:205,001,174, T>C. VCF-style: chr1-205001174-T-C. GRCh37 (hg19) VCF-style: chr1-204970302-T-C.
Other names: c.3345T>C, p.Pro1115= (NM_001378329.1); c.3092-8383T>C (NM_001160332.2); c.3077-8383T>C (NM_015090.4); c.2756-8383T>C (NM_001365986.1); c.3137-8383T>C (NM_001160331.2).
Identifiers: ClinVar variation 1233783 (VCV001233783.8), dbSNP rs4951151, ClinGen allele CA1350628.